The following is an entry in ClinVar:

ClinVar aggregate classification (germline): Pathogenic. Review status: criteria provided, single submitter (1 of 4 stars). 2 submissions from 2 submitters: Pathogenic (1). 1 of the submissions does not count toward it. Last evaluated 2025-07-27.

Conditions:
Osteogenesis imperfecta type I (OI1). Also called: Lobstein's Disease; Lobstein disease; Osteogenesis imperfecta type 1; OI, TYPE I; OSTEOGENESIS IMPERFECTA TARDA; OSTEOGENESIS IMPERFECTA WITH BLUE SCLERAE. Identifiers: Orphanet 216796, Orphanet 666, MedGen C0023931, MONDO:0008146, OMIM 166200. Disease mechanism: loss of function.
Osteogenesis imperfecta with normal sclerae, dominant form (OI4). Also called: OSTEOGENESIS IMPERFECTA, TYPE IV, WITH DENTINOGENESIS IMPERFECTA; Osteogenesis Imperfecta Type IV; Osteogenesis imperfecta type 4; OSTEOGENESIS IMPERFECTA WITH NORMAL SCLERAE; Common Variable Osteogenesis Imperfecta with Normal Sclerae. Identifiers: Orphanet 216820, Orphanet 666, MedGen C0268363, MONDO:0008148, OMIM 166220.

Submissions (2):

Labcorp Genetics (formerly Invitae), Labcorp
Classification: Pathogenic for Osteogenesis imperfecta type I. Last evaluated: 2025-07-27. Review status: criteria provided, single submitter. Criteria: Invitae Variant Classification Sherloc (09022015). Collection method: clinical testing. Allele origin: germline.
Comment: This sequence change replaces glycine, which is neutral and non-polar, with serine, which is neutral and polar, at codon 353 of the COL1A1 protein (p.Gly353Ser). This variant is not present in population databases (gnomAD no frequency). This missense change has been observed in individual(s) with osteogenesis imperfecta (PMID: 17078022, 26177859). ClinVar contains an entry for this variant (Variation ID: 425592). Experimental studies and prediction algorithms are not available or were not evaluated, and the functional significance of this variant is currently unknown. This variant disrupts the triple helix domain of COL1A1. Glycine residues within the Gly-Xaa-Yaa repeats of the triple helix domain are required for the structure and stability of fibrillar collagens (PMID: 7695699, 8218237, 19344236). In COL1A1, variants affecting these glycine residues are significantly enriched in individuals with disease (PMID: 9016532, 17078022) compared to the general population (ExAC). This variant disrupts the p.Gly353 amino acid residue in COL1A1. Other variant(s) that disrupt this residue have been observed in individuals with COL1A1-related conditions (PMID: 17078022, 18996919, 31447884), which suggests that this may be a clinically significant amino acid residue. For these reasons, this variant has been classified as Pathogenic.

Department of Medical Sciences, Uppsala University
Classification: Pathogenic for OI type IV. Review status: no assertion criteria provided. Collection method: clinical testing. Allele origin: paternal. Affected: yes. Observed: 1 variant allele. Not counted in ClinVar's aggregate classification.

Literature cited by the submitters: PubMed 17078022 (cited by Labcorp Genetics (formerly Invitae), Labcorp); PubMed 26177859 (cited by Labcorp Genetics (formerly Invitae), Labcorp); PubMed 7695699 (cited by Labcorp Genetics (formerly Invitae), Labcorp); PubMed 8218237 (cited by Labcorp Genetics (formerly Invitae), Labcorp); PubMed 19344236 (cited by Labcorp Genetics (formerly Invitae), Labcorp); PubMed 9016532 (cited by Labcorp Genetics (formerly Invitae), Labcorp); PubMed 18996919 (cited by Labcorp Genetics (formerly Invitae), Labcorp); PubMed 31447884 (cited by Labcorp Genetics (formerly Invitae), Labcorp); PubMed 25944380 (cited by Department of Medical Sciences, Uppsala University).

NM_000088.4(COL1A1):c.1057G>A (p.Gly353Ser)

Gene: COL1A1 (collagen type I alpha 1 chain; minus strand). Cytogenetic location: 17q21.33.
Variant type: single nucleotide variant.
Coding change: c.1057G>A on transcript NM_000088.4 (MANE Select); coding-DNA position 1057, G replaced by A.
Protein change: p.Gly353Ser; replaces glycine 353 with serine.
Molecular consequence: missense variant.
Genome position (GRCh38, 1-based): chr17:50,195,665, C>T on the plus strand (G>A on the coding strand, the complement: COL1A1 is on the minus strand). VCF-style: chr17-50195665-C-T. GRCh37 (hg19) VCF-style: chr17-48273026-C-T.
Other names: c.1057G>A (LRG_1t1); short protein forms G353S.
Identifiers: ClinVar variation 425592 (VCV000425592.3), dbSNP rs66721653, ClinGen allele CA291546912.